The following is an entry in ClinVar:

ClinVar aggregate classification (germline): Pathogenic/Likely pathogenic. Review status: criteria provided, multiple submitters, no conflicts (2 of 4 stars). 3 submissions from 3 submitters: Pathogenic (1); Likely pathogenic (2). Last evaluated 2026-05-21.

Conditions:
Dilated cardiomyopathy 1G (CMD1G). Identifiers: Orphanet 154, MedGen C1858763, MONDO:0011400, OMIM 604145.
Autosomal recessive limb-girdle muscular dystrophy type 2J (LGMDR10). Also called: MUSCULAR DYSTROPHY, LIMB-GIRDLE, AUTOSOMAL RECESSIVE 10; Limb-girdle muscular dystrophy, type 2J. Identifiers: Orphanet 140922, MedGen C1837342, MONDO:0012127, OMIM 608807.
Cardiovascular phenotype. Identifiers: MedGen CN230736.
Early-onset myopathy with fatal cardiomyopathy (CMYO5). Also called: Salih Myopathy; CONGENITAL MYOPATHY 5 WITH CARDIOMYOPATHY. Identifiers: Orphanet 289377, MedGen C2673677, MONDO:0012714, OMIM 611705. Disease mechanism: loss of function.
Hypertrophic cardiomyopathy 9. Also called: Familial hypertrophic cardiomyopathy 9. Identifiers: MedGen C1861065, MONDO:0013412, OMIM 613765.
Myopathy, myofibrillar, 9, with early respiratory failure (MFM9). Also called: Myopathy, distal, with early respiratory failure, autosomal dominant; Hereditary myopathy with early respiratory failure; MYOPATHY, PROXIMAL, WITH EARLY RESPIRATORY MUSCLE INVOLVEMENT; EDSTROM MYOPATHY. Identifiers: Orphanet 178464, Orphanet 34521, MedGen C1863599, MONDO:0011362, OMIM 603689.
Tibial muscular dystrophy (TMD). Also called: Udd Distal Myopathy – Tibial Muscular Dystrophy; UDD MYOPATHY; Tibial muscular dystrophy, tardive. Identifiers: Orphanet 609, MedGen C1838244, MONDO:0010870, OMIM 600334.

Allele frequency attached by ClinVar (database versions not stated): gnomAD exomes below 0.00001; gnomAD 0.00001.
gnomAD v4.1: 2 of 1,612,330 alleles (0.00012%); highest among the groups gnomAD compares: Non-Finnish European, 0.00017%; no homozygotes.

Submissions (3):

Ambry Genetics
Classification: Likely pathogenic for Cardiovascular phenotype. Last evaluated: 2026-05-21. Review status: criteria provided, single submitter. Criteria: Ambry Variant Classification Scheme 2023. Collection method: clinical testing. Allele origin: germline.
Comment: The p.R7559* variant (also known as c.22675C>T), located in coding exon 92 of the TTN gene, results from a C to T substitution at nucleotide position 22675. This changes the amino acid from an arginine to a stop codon within coding exon 92. This exon is located in the A-band region of the N2-B isoform of the titin protein and is constitutively expressed in TTN transcripts (percent spliced in or PSI 100%). This variant was reported in individual(s) with features consistent with left ventricular non-compaction (LVNC) (Meshkov AN et al. Front Cardiovasc Med, 2023 May;10:1205787). Note, this variant is also referred to as c.49870C>T in the literature. This variant is considered to be rare based on population cohorts in the Genome Aggregation Database (gnomAD). This alteration is expected to result in loss of function by premature protein truncation or nonsense-mediated mRNA decay. While truncating variants in TTN are present in 1-3% of the general population, truncating variants in the A-band are the most common cause of dilated cardiomyopathy (DCM) (Herman DS et al. N. Engl. J. Med., 2012 Feb;366:619-28; Roberts AM et al. Sci Transl Med, 2015 Jan;7:270ra6). TTN truncating variants encoded in constitutive exons (PSI >90%) have been found to be significantly associated with DCM regardless of their position in titin (Schafer S et al. Nat. Genet., 2017 01;49:46-53). Based on the majority of available evidence to date, this variant is likely to be pathogenic.

Labcorp Genetics (formerly Invitae), Labcorp
Classification: Likely pathogenic for Dilated cardiomyopathy 1G; Autosomal recessive limb-girdle muscular dystrophy type 2J. Last evaluated: 2025-01-12. Review status: criteria provided, single submitter. Criteria: Invitae Variant Classification Sherloc (09022015). Collection method: clinical testing. Allele origin: germline.
Comment: This sequence change creates a premature translational stop signal (p.Arg16624*) in the TTN gene. While this is not anticipated to result in nonsense mediated decay, it is expected to create a truncated TTN protein. This variant is present in population databases (no rsID available, gnomAD 0.007%). This premature translational stop signal has been observed in individual(s) with dilated cardiomyopathy and/or left ventricular noncompaction (PMID: 33996946, 37342443). ClinVar contains an entry for this variant (Variation ID: 519047). Algorithms developed to predict the effect of sequence changes on RNA splicing suggest that this variant may disrupt the consensus splice site. This variant is located in the A band of TTN (PMID: 25589632). Truncating variants in this region are significantly overrepresented in patients affected with dilated cardiomyopathy (PMID: 25589632). Truncating variants in this region have also been reported in individuals affected with autosomal recessive centronuclear myopathy (PMID: 23975875). In summary, the currently available evidence indicates that the variant is pathogenic, but additional data are needed to prove that conclusively. Therefore, this variant has been classified as Likely Pathogenic.

Juno Genomics, Hangzhou Juno Genomics, Inc
Classification: Pathogenic for Early-onset myopathy with fatal cardiomyopathy; Dilated cardiomyopathy 1G; Hypertrophic cardiomyopathy 9; Autosomal recessive limb-girdle muscular dystrophy type 2J; Myopathy, myofibrillar, 9, with early respiratory failure; Tibial muscular dystrophy. Review status: criteria provided, single submitter. Criteria: ACMG Guidelines, 2015. Collection method: clinical testing. Allele origin: germline. Affected: yes.
Comment: Absent from controls (or at extremely low frequency if recessive) in Genome Aggregation Database, Exome Sequencing Project, 1000 Genomes Project, or Exome Aggregation Consortium.;Null variant in a gene where loss of function (LOF) is a known mechanism of disease.;The prevalence of the variant in affected individuals is significantly increased compared to the prevalence in controls.

Literature cited by the submitters: PubMed 37342443 (cited by Ambry Genetics and Labcorp Genetics (formerly Invitae), Labcorp); PubMed 33996946 (cited by Labcorp Genetics (formerly Invitae), Labcorp); PubMed 25589632 (cited by Labcorp Genetics (formerly Invitae), Labcorp); PubMed 23975875 (cited by Labcorp Genetics (formerly Invitae), Labcorp).

NM_001267550.2(TTN):c.49870C>T (p.Arg16624Ter)

Genes: TTN (titin; minus strand), TTN-AS1 (TTN antisense RNA 1; plus strand). Cytogenetic location: 2q31.2.
Variant type: single nucleotide variant.
Coding change: c.49870C>T on transcript NM_001267550.2 (MANE Select); coding-DNA position 49870, C replaced by T.
Protein change: p.Arg16624Ter; replaces arginine 16624 with a stop codon.
Molecular consequence: nonsense.
Genome position (GRCh38, 1-based): chr2:178,612,851, G>A on the plus strand (C>T on the coding strand, the complement: TTN is on the minus strand). VCF-style: chr2-178612851-G-A. GRCh37 (hg19) VCF-style: chr2-179477578-G-A.
Other names: c.44947C>T, p.Arg14983Ter (NM_001256850.1); c.22675C>T, p.Arg7559Ter (NM_003319.4); c.42166C>T, p.Arg14056Ter (NM_133378.4); c.23050C>T, p.Arg7684Ter (NM_133432.3); c.23251C>T, p.Arg7751Ter (NM_133437.4); short protein forms R16624*, R7559*, R7684*, R7751*, R14983*, R14056*.
Identifiers: ClinVar variation 519047 (VCV000519047.18), dbSNP rs1471414348, ClinGen allele CA349600656.